The following is an entry in ClinVar:

ClinVar aggregate classification (germline): Uncertain significance (1 of 4 stars; one submission).

Submission:

Labcorp Genetics (formerly Invitae), Labcorp
Classification: Uncertain significance. Last evaluated: 2022-07-05. Review status: criteria provided, single submitter. Criteria: Invitae Variant Classification Sherloc (09022015). Collection method: clinical testing. Allele origin: germline.
Comment: In summary, the available evidence is currently insufficient to determine the role of this variant in disease. Therefore, it has been classified as a Variant of Uncertain Significance. Algorithms developed to predict the effect of missense changes on protein structure and function (SIFT, PolyPhen-2, Align-GVGD) all suggest that this variant is likely to be disruptive. ClinVar contains an entry for this variant (Variation ID: 1058065). This variant has not been reported in the literature in individuals affected with RIMS1-related conditions. This variant is not present in population databases (gnomAD no frequency). This sequence change replaces alanine, which is neutral and non-polar, with valine, which is neutral and non-polar, at codon 225 of the RIMS1 protein (p.Ala225Val).

NM_014989.7(RIMS1):c.674C>T (p.Ala225Val)

Gene: RIMS1 (regulating synaptic membrane exocytosis 1; plus strand). Cytogenetic location: 6q13.
Variant type: single nucleotide variant.
Coding change: c.674C>T on transcript NM_014989.7 (MANE Select); coding-DNA position 674, C replaced by T.
Protein change: p.Ala225Val; replaces alanine 225 with valine.
Molecular consequence: missense variant.
Genome position (GRCh38, 1-based): chr6:72,179,777, C>T. VCF-style: chr6-72179777-C-T. GRCh37 (hg19) VCF-style: chr6-72889480-C-T.
Other names: short protein forms A225V.
Identifiers: ClinVar variation 1058065 (VCV001058065.9), dbSNP rs2153967315, ClinGen allele CA364818654.